The following is an entry in ClinVar:

ClinVar aggregate classification (germline): Conflicting classifications of pathogenicity. Review status: criteria provided, conflicting classifications (1 of 4 stars). 5 submissions from 5 submitters: Uncertain significance (1); Likely benign (4). Last evaluated 2025-10-23.

Conditions:
Norman-Roberts syndrome (LIS2). Also called: Lissencephaly 2 (Norman-Roberts type). Identifiers: Orphanet 89844, MedGen C0796089, MONDO:0009760, OMIM 257320.
Familial temporal lobe epilepsy 7. Identifiers: Orphanet 101046, MedGen C4225327, MONDO:0014639, OMIM 616436.

Allele frequency attached by ClinVar (database versions not stated): gnomAD 0.00002 and 0.00027; TOPMed 0.00002; 1000 Genomes Project 30x 0.00109; 1000 Genomes Project 0.00120.
gnomAD v4.1: 773 of 1,612,426 alleles (0.048%); highest among the groups gnomAD compares: South Asian, 0.73%; 6 homozygotes.

Submissions (5):

Labcorp Genetics (formerly Invitae), Labcorp
Classification: Likely benign for Familial temporal lobe epilepsy 7; Norman-Roberts syndrome. Last evaluated: 2025-10-23. Review status: criteria provided, single submitter. Criteria: Invitae Variant Classification Sherloc (09022015). Collection method: clinical testing. Allele origin: germline.

Blueprint Genetics
Classification: Likely benign. Last evaluated: 2024-10-15. Review status: criteria provided, single submitter. Criteria: ACMG Guidelines, 2015. Collection method: clinical testing. Allele origin: germline.

CeGaT Center for Human Genetics Tuebingen
Classification: Uncertain significance. Last evaluated: 2023-10-01. Review status: criteria provided, single submitter. Criteria: CeGaT Center For Human Genetics Tuebingen Variant Classification Criteria Version 2. Collection method: clinical testing. Allele origin: germline. Affected: yes. Observed: 1 variant allele.
Comment: RELN: PP3

GeneDx
Classification: Likely benign. Last evaluated: 2020-06-18. Review status: criteria provided, single submitter. Criteria: GeneDx Variant Classification Process June 2021. Collection method: clinical testing. Allele origin: germline. Affected: yes.

Illumina Laboratory Services, Illumina
Classification: Likely benign for Norman-Roberts syndrome. Last evaluated: 2018-01-13. Review status: criteria provided, single submitter. Criteria: ICSL Variant Classification Criteria 13 December 2019. Collection method: clinical testing. Allele origin: germline.
Comment: This variant was observed in the ICSL laboratory as part of a predisposition screen in an ostensibly healthy population. It had not been previously curated by ICSL or reported in the Human Gene Mutation Database (HGMD: prior to June 1st, 2018), and was therefore a candidate for classification through an automated scoring system. Utilizing variant allele frequency, disease prevalence and penetrance estimates, and inheritance mode, an automated score was calculated to assess if this variant is too frequent to cause the disease. Based on the score and internal cut-off values, a variant classified as likely benign is not then subjected to further curation. The score for this variant resulted in a classification of likely benign for this disease.

NM_005045.4(RELN):c.1555G>T (p.Val519Phe)

Gene: RELN (reelin; minus strand). Cytogenetic location: 7q22.1.
Variant type: single nucleotide variant.
Coding change: c.1555G>T on transcript NM_005045.4 (MANE Select); coding-DNA position 1555, G replaced by T.
Protein change: p.Val519Phe; replaces valine 519 with phenylalanine.
Molecular consequence: missense variant.
Genome position (GRCh38, 1-based): chr7:103,652,759, C>A on the plus strand (G>T on the coding strand, the complement: RELN is on the minus strand). VCF-style: chr7-103652759-C-A. GRCh37 (hg19) VCF-style: chr7-103293206-C-A.
Other names: c.1555G>T, p.Val519Phe (NM_173054.3); short protein forms V519F.
Identifiers: ClinVar variation 358413 (VCV000358413.42), dbSNP rs560704715, ClinGen allele CA4422223.
Genomic context (GRCh38, chr7:103,652,759, plus strand): 5'-AAAATTTGGTAGCAGGAGTCTGAAGTTCAGGATTGATGACCACAGAAACCAAAGACGGAA[C>A]CTTTCAAACAAAGGAGACCAGAATCACTCAAAATCCTTTCTAGGCTAGTCCATGTAAATT-3'
Protein context (NP_005036.2, residues 509-529): LDTLSYSSYK[Val519Phe]PSLVSVVINP